The following is an entry in ClinVar:

NM_001365536.1(SCN9A):c.4055A>C (p.Asn1352Thr)

Genes: SCN9A (sodium voltage-gated channel alpha subunit 9; minus strand), SCN1A-AS1 (SCN1A and SCN9A antisense RNA 1; plus strand). Cytogenetic location: 2q24.3.
Variant type: single nucleotide variant.
Coding change: c.4055A>C on transcript NM_001365536.1 (MANE Select); coding-DNA position 4055, A replaced by C.
Protein change: p.Asn1352Thr; replaces asparagine 1352 with threonine.
Molecular consequence: missense variant.
Genome position (GRCh38, 1-based): chr2:166,228,842, T>G on the plus strand (A>C on the coding strand, the complement: SCN9A is on the minus strand). VCF-style: chr2-166228842-T-G. GRCh37 (hg19) VCF-style: chr2-167085352-T-G.
Other names: c.4022A>C, p.Asn1341Thr (NM_002977.4); short protein forms N1341T, N1352T.
Identifiers: ClinVar variation 471122 (VCV000471122.10), dbSNP rs1553479173, ClinGen allele CA349063911.

ClinVar aggregate classification (germline): Uncertain significance. Review status: criteria provided, multiple submitters, no conflicts (2 of 4 stars). 2 submissions from 2 submitters: Uncertain significance (2). Last evaluated 2024-07-06.

Conditions:
Neuropathy, hereditary sensory and autonomic, type 2A (HSAN2A). Also called: ACROOSTEOLYSIS, NEUROGENIC; ACROOSTEOLYSIS, GIACCAI TYPE; MORVAN DISEASE; NEUROPATHY, CONGENITAL SENSORY; NEUROPATHY, HEREDITARY SENSORY RADICULAR, AUTOSOMAL RECESSIVE; NEUROPATHY, HEREDITARY SENSORY, TYPE IIA. Identifiers: Orphanet 970, MedGen C2752089, MONDO:0024309, OMIM 201300.
Generalized epilepsy with febrile seizures plus, type 7 (GEFSP7). Also called: GEFS+, TYPE 7. Identifiers: Orphanet 36387, MedGen C2751778, MONDO:0013470, OMIM 613863.
Inborn genetic diseases. Identifiers: MedGen C0950123, MeSH D030342.

Submissions (2):

Labcorp Genetics (formerly Invitae), Labcorp
Classification: Uncertain significance for Neuropathy, hereditary sensory and autonomic, type 2A; Generalized epilepsy with febrile seizures plus, type 7. Last evaluated: 2024-07-06. Review status: criteria provided, single submitter. Criteria: Invitae Variant Classification Sherloc (09022015). Collection method: clinical testing. Allele origin: germline.
Comment: This sequence change replaces asparagine, which is neutral and polar, with threonine, which is neutral and polar, at codon 1341 of the SCN9A protein (p.Asn1341Thr). This variant is not present in population databases (gnomAD no frequency). This variant has not been reported in the literature in individuals affected with SCN9A-related conditions. ClinVar contains an entry for this variant (Variation ID: 471122). Advanced modeling of protein sequence and biophysical properties (such as structural, functional, and spatial information, amino acid conservation, physicochemical variation, residue mobility, and thermodynamic stability) performed at Invitae indicates that this missense variant is not expected to disrupt SCN9A protein function with a negative predictive value of 80%. In summary, the available evidence is currently insufficient to determine the role of this variant in disease. Therefore, it has been classified as a Variant of Uncertain Significance.

Ambry Genetics
Classification: Uncertain significance for Inborn genetic diseases. Last evaluated: 2022-08-17. Review status: criteria provided, single submitter. Criteria: Ambry Variant Classification Scheme 2023. Collection method: clinical testing. Allele origin: germline.